The following is an entry in ClinVar:

NM_000381.4(MID1):c.1609G>A (p.Asp537Asn)

Gene: MID1 (midline 1; minus strand). Cytogenetic location: Xp22.2.
Variant type: single nucleotide variant.
Coding change: c.1609G>A on transcript NM_000381.4 (MANE Select); coding-DNA position 1609, G replaced by A.
Protein change: p.Asp537Asn; replaces aspartic acid 537 with asparagine.
Molecular consequence: missense variant.
Genome position (GRCh38, 1-based): chrX:10,454,916, C>T on the plus strand (G>A on the coding strand, the complement: MID1 is on the minus strand). VCF-style: chrX-10454916-C-T. GRCh37 (hg19) VCF-style: chrX-10422956-C-T.
Other names: c.1609G>A, p.Asp537Asn (NM_001098624.2, NM_001193277.1, NM_001347733.2 and 1 more transcripts); c.1495G>A, p.Asp499Asn (NM_033289.2); short protein forms D499N, D537N.
Identifiers: ClinVar variation 3383842 (VCV003383842.1).

ClinVar aggregate classification (germline): Uncertain significance (1 of 4 stars; one submission).

Submission:

GeneDx
Classification: Uncertain significance. Last evaluated: 2024-05-30. Review status: criteria provided, single submitter. Criteria: GeneDx Variant Classification Process June 2021. Collection method: clinical testing. Allele origin: germline. Affected: yes.
Comment: Not observed at significant frequency in large population cohorts (gnomAD); In silico analysis indicates that this missense variant does not alter protein structure/function; Has not been previously published as pathogenic or benign to our knowledge